The following is an entry in ClinVar:

NM_207122.2(EXT2):c.68G>A (p.Arg23Gln)

Gene: EXT2 (exostosin glycosyltransferase 2; plus strand). Cytogenetic location: 11p11.2.
Variant type: single nucleotide variant.
Coding change: c.68G>A on transcript NM_207122.2 (MANE Select); coding-DNA position 68, G replaced by A.
Protein change: p.Arg23Gln; replaces arginine 23 with glutamine.
Molecular consequence: missense variant.
Genome position (GRCh38, 1-based): chr11:44,107,780, G>A. VCF-style: chr11-44107780-G-A. GRCh37 (hg19) VCF-style: chr11-44129330-G-A.
Other names: c.167G>A, p.Arg56Gln (NM_000401.3); c.68G>A, p.Arg23Gln (NM_001178083.3, NM_001389628.1, NM_001389630.1); short protein forms R23Q, R56Q.
Identifiers: ClinVar variation 2550813 (VCV002550813.5), dbSNP rs369368661, ClinGen allele CA5954812.
Genomic context (GRCh38, chr11:44,107,780, plus strand): 5'-CGTCGGTCAAGTATAATATCCGGGGTCCTGCCCTCATCCCAAGAATGAAGACCAAGCACC[G>A]AATCTACTATATCACCCTCTTCTCCATTGTCCTCCTGGGCCTCATTGCCACTGGCATGTT-3'
Protein context (NP_997005.1, residues 13-33): ALIPRMKTKH[Arg23Gln]IYYITLFSIV

ClinVar aggregate classification (germline): Uncertain significance. Review status: criteria provided, multiple submitters, no conflicts (2 of 4 stars). 2 submissions from 2 submitters: Uncertain significance (2). Last evaluated 2025-06-24.

Conditions:
Inborn genetic diseases. Identifiers: MedGen C0950123, MeSH D030342.
Exostoses, multiple, type 2 (EXT2). Also called: EXOSTOSES, MULTIPLE, TYPE II; Hereditary Multiple Osteochondromatosis, Type II. Identifiers: Orphanet 321, MedGen C1851413, MONDO:0007586, OMIM 133701.

Allele frequency attached by ClinVar (database versions not stated): TOPMed 0.00001; ExAC 0.00002; gnomAD 0.00002; ESP Exome Variant Server 0.00008.
gnomAD v4.1: 43 of 1,614,002 alleles (0.0027%); highest among the groups gnomAD compares: South Asian, 0.012%; no homozygotes.

Submissions (2):

Ambry Genetics
Classification: Uncertain significance for Inborn genetic diseases. Last evaluated: 2025-06-24. Review status: criteria provided, single submitter. Criteria: Ambry Variant Classification Scheme 2023. Collection method: clinical testing. Allele origin: germline.

Labcorp Genetics (formerly Invitae), Labcorp
Classification: Uncertain significance for Exostoses, multiple, type 2. Last evaluated: 2025-01-13. Review status: criteria provided, single submitter. Criteria: Invitae Variant Classification Sherloc (09022015). Collection method: clinical testing. Allele origin: germline.
Comment: This sequence change replaces arginine, which is basic and polar, with glutamine, which is neutral and polar, at codon 23 of the EXT2 protein (p.Arg23Gln). This variant is present in population databases (rs369368661, gnomAD 0.006%). This variant has not been reported in the literature in individuals affected with EXT2-related conditions. ClinVar contains an entry for this variant (Variation ID: 2550813). Invitae Evidence Modeling of protein sequence and biophysical properties (such as structural, functional, and spatial information, amino acid conservation, physicochemical variation, residue mobility, and thermodynamic stability) indicates that this missense variant is not expected to disrupt EXT2 protein function with a negative predictive value of 95%. In summary, the available evidence is currently insufficient to determine the role of this variant in disease. Therefore, it has been classified as a Variant of Uncertain Significance.